The following is an entry in ClinVar:

ClinVar aggregate classification (germline): Benign/Likely benign. Review status: criteria provided, multiple submitters, no conflicts (2 of 4 stars). 5 submissions from 5 submitters: Benign (2); Likely benign (3). Last evaluated 2026-01-25.

Conditions:
Hereditary cancer-predisposing syndrome. Also called: Hereditary Cancer Syndrome; Neoplastic Syndromes, Hereditary; Tumor predisposition; Hereditary neoplastic syndrome. Identifiers: Orphanet 140162, MedGen C0027672, MeSH D009386, MONDO:0015356.
BAP1-related tumor predisposition syndrome (TPDS1). Also called: Tumor susceptibility linked to germline BAP1 mutations; COMMON Syndrome; TUMOR PREDISPOSITION SYNDROME 1; BAP1 tumor predisposition syndrome. Identifiers: Orphanet 289539, MedGen C3280492, MONDO:0013692, OMIM 614327.

Allele frequency attached by ClinVar (database versions not stated): gnomAD 0.00002 and 0.00003; gnomAD exomes 0.00003 and 0.00006; ExAC 0.00004; TOPMed 0.00005; ESP Exome Variant Server 0.00008.

Submissions (5):

Labcorp Genetics (formerly Invitae), Labcorp
Classification: Likely benign for BAP1-related tumor predisposition syndrome. Last evaluated: 2026-01-25. Review status: criteria provided, single submitter. Criteria: Invitae Variant Classification Sherloc (09022015). Collection method: clinical testing. Allele origin: germline.

Myriad Genetics, Inc.
Classification: Benign for BAP1-related tumor predisposition syndrome. Last evaluated: 2024-07-16. Review status: criteria provided, single submitter. Criteria: Myriad Autosomal Dominant, Autosomal Recessive and X-Linked Classification Criteria (2023). Collection method: clinical testing. Allele origin: unknown.
Comment: This variant is considered benign. This variant is a silent/synonymous amino acid change and it is not expected to impact splicing.

Sema4
Classification: Benign for Hereditary cancer-predisposing syndrome. Last evaluated: 2021-02-18. Review status: criteria provided, single submitter. Criteria: Sema4 Curation Guidelines. Collection method: curation. Allele origin: germline.

Color Diagnostics, LLC DBA Color Health
Classification: Likely benign for Hereditary cancer-predisposing syndrome. Last evaluated: 2018-09-04. Review status: criteria provided, single submitter. Criteria: ACMG Guidelines, 2015. Collection method: clinical testing. Allele origin: germline.

Ambry Genetics
Classification: Likely benign for Hereditary cancer-predisposing syndrome. Last evaluated: 2016-10-01. Review status: criteria provided, single submitter. Criteria: Ambry Variant Classification Scheme 2023. Collection method: clinical testing. Allele origin: germline.

NM_004656.4(BAP1):c.1551G>A (p.Thr517=)

Gene: BAP1 (BRCA1 associated deubiquitinase 1; minus strand). Cytogenetic location: 3p21.1.
Variant type: single nucleotide variant.
Coding change: c.1551G>A on transcript NM_004656.4 (MANE Select); coding-DNA position 1551, G replaced by A.
Protein change: p.Thr517=; no amino-acid change (threonine 517 retained).
Molecular consequence: synonymous variant.
Genome position (GRCh38, 1-based): chr3:52,403,594, C>T on the plus strand (G>A on the coding strand, the complement: BAP1 is on the minus strand). VCF-style: chr3-52403594-C-T. GRCh37 (hg19) VCF-style: chr3-52437610-C-T.
Other names: c.1551G>A (LRG_529t1).
Identifiers: ClinVar variation 480841 (VCV000480841.18), dbSNP rs145158446, ClinGen allele CA2436777.